The following is an entry in ClinVar:

NM_002775.5(HTRA1):c.386T>G (p.Leu129Arg)

Gene: HTRA1 (HtrA serine peptidase 1; plus strand). Cytogenetic location: 10q26.13.
Variant type: single nucleotide variant.
Coding change: c.386T>G on transcript NM_002775.5 (MANE Select); coding-DNA position 386, T replaced by G.
Protein change: p.Leu129Arg; replaces leucine 129 with arginine.
Molecular consequence: missense variant.
Genome position (GRCh38, 1-based): chr10:122,462,038, T>G. VCF-style: chr10-122462038-T-G. GRCh37 (hg19) VCF-style: chr10-124221554-T-G.
Other names: short protein forms L129R.
Identifiers: ClinVar variation 3694495 (VCV003694495.2).

ClinVar aggregate classification (germline): Uncertain significance (1 of 4 stars; one submission).

Submission:

Labcorp Genetics (formerly Invitae), Labcorp
Classification: Uncertain significance. Last evaluated: 2025-07-03. Review status: criteria provided, single submitter. Criteria: Invitae Variant Classification Sherloc (09022015). Collection method: clinical testing. Allele origin: germline.
Comment: This sequence change replaces leucine, which is neutral and non-polar, with arginine, which is basic and polar, at codon 129 of the HTRA1 protein (p.Leu129Arg). This variant is not present in population databases (gnomAD no frequency). This variant has not been reported in the literature in individuals affected with HTRA1-related conditions. ClinVar contains an entry for this variant (Variation ID: 3694495). Invitae Evidence Modeling of protein sequence and biophysical properties (such as structural, functional, and spatial information, amino acid conservation, physicochemical variation, residue mobility, and thermodynamic stability) has been performed for this missense variant. However, the output from this modeling did not meet the statistical confidence thresholds required to predict the impact of this variant on HTRA1 protein function. In summary, the available evidence is currently insufficient to determine the role of this variant in disease. Therefore, it has been classified as a Variant of Uncertain Significance.